The following is an entry in ClinVar:

NM_004380.3(CREBBP):c.1133G>A (p.Arg378Gln)

Gene: CREBBP (CREB binding lysine acetyltransferase; minus strand). Cytogenetic location: 16p13.3.
Variant type: single nucleotide variant.
Coding change: c.1133G>A on transcript NM_004380.3 (MANE Select); coding-DNA position 1133, G replaced by A.
Protein change: p.Arg378Gln; replaces arginine 378 with glutamine.
Molecular consequence: missense variant.
Genome position (GRCh38, 1-based): chr16:3,793,469, C>T on the plus strand (G>A on the coding strand, the complement: CREBBP is on the minus strand). VCF-style: chr16-3793469-C-T. GRCh37 (hg19) VCF-style: chr16-3843470-C-T.
Other names: c.1133G>A, p.Arg378Gln (NM_001079846.1); short protein forms R378Q.
Identifiers: ClinVar variation 2636170 (VCV002636170.2), dbSNP rs781492264, ClinGen allele CA7870506.

ClinVar aggregate classification (germline): Uncertain significance (1 of 4 stars; one submission).

Conditions:
CREBBP-related disorder. Also called: CREBBP-related condition; CREBBP-related disorders.

Allele frequency attached by ClinVar (database versions not stated): ExAC 0.00001; gnomAD 0.00001.
gnomAD v4.1: 6 of 1,613,978 alleles (0.00037%); highest among the groups gnomAD compares: African/African-American, 0.0027%; no homozygotes.

Submission:

PreventionGenetics, part of Exact Sciences
Classification: Uncertain significance for CREBBP-related condition. Last evaluated: 2026-09-19. Review status: criteria provided, single submitter. Criteria: ACMG Guidelines, 2015. Collection method: clinical testing. Allele origin: germline.
Comment: The CREBBP c.1133G>A variant is predicted to result in the amino acid substitution p.Arg378Gln. To our knowledge, this variant has not been reported in the literature. This variant is reported in 0.0046% of alleles in individuals of European (Finnish) descent in gnomAD. At this time, the clinical significance of this variant is uncertain due to the absence of conclusive functional and genetic evidence.